The following is an entry in ClinVar:

ClinVar aggregate classification (germline): Uncertain significance. Review status: criteria provided, multiple submitters, no conflicts (2 of 4 stars). 2 submissions from 2 submitters: Uncertain significance (2). Last evaluated 2023-12-19.

Allele frequency attached by ClinVar (database versions not stated): gnomAD exomes 0.00001; ExAC 0.00002; TOPMed 0.00003.
gnomAD v4.1: 4 of 1,610,984 alleles (0.00025%); highest among the groups gnomAD compares: Non-Finnish European, 0.00034%; no homozygotes.

Submissions (2):

Ambry Genetics
Classification: Uncertain significance. Last evaluated: 2023-12-19. Review status: criteria provided, single submitter. Criteria: Ambry Variant Classification Scheme 2023. Collection method: clinical testing. Allele origin: germline.

Labcorp Genetics (formerly Invitae), Labcorp
Classification: Uncertain significance. Last evaluated: 2022-08-09. Review status: criteria provided, single submitter. Criteria: Invitae Variant Classification Sherloc (09022015). Collection method: clinical testing. Allele origin: germline.
Comment: This sequence change replaces glycine, which is neutral and non-polar, with serine, which is neutral and polar, at codon 93 of the RUSC2 protein (p.Gly93Ser). This variant is present in population databases (rs775429795, gnomAD 0.002%). This variant has not been reported in the literature in individuals affected with RUSC2-related conditions. ClinVar contains an entry for this variant (Variation ID: 1439860). Algorithms developed to predict the effect of missense changes on protein structure and function are either unavailable or do not agree on the potential impact of this missense change (SIFT: "Tolerated"; PolyPhen-2: "Probably Damaging"; Align-GVGD: "Class C0"). In summary, the available evidence is currently insufficient to determine the role of this variant in disease. Therefore, it has been classified as a Variant of Uncertain Significance.

NM_014806.5(RUSC2):c.277G>A (p.Gly93Ser)

Gene: RUSC2 (RUN and SH3 domain containing 2; plus strand). Cytogenetic location: 9p13.3.
Variant type: single nucleotide variant.
Coding change: c.277G>A on transcript NM_014806.5 (MANE Select); coding-DNA position 277, G replaced by A.
Protein change: p.Gly93Ser; replaces glycine 93 with serine.
Molecular consequence: missense variant. On other transcripts: non-coding transcript variant (1), intron variant (1).
Genome position (GRCh38, 1-based): chr9:35,546,798, G>A. VCF-style: chr9-35546798-G-A. GRCh37 (hg19) VCF-style: chr9-35546795-G-A.
Other names: c.277G>A, p.Gly93Ser (NM_001135999.2); c.-620-8262G>A (NM_001330740.2); c.277G>A (NM_001135999.1); short protein forms G93S.
Identifiers: ClinVar variation 1439860 (VCV001439860.6), dbSNP rs775429795, ClinGen allele CA5043435.
Genomic context (GRCh38, chr9:35,546,798, plus strand): 5'-ACTCCAGGAGGAACTGCACGGTCTATAGACAGCACCAAGAGTAGGAGTCGGGATGGAAGA[G>A]GCCCTGGAGCCCCCAAACGACACAACCCCTTCTTGCTGCAGGAGGGTGTGGGTGAGCCAG-3'
Protein context (NP_055621.2, residues 83-103): STKSRSRDGR[Gly93Ser]PGAPKRHNPF